The following is an entry in ClinVar:

ClinVar aggregate classification (germline): Uncertain significance (1 of 4 stars; one submission).

Conditions:
Hereditary cancer-predisposing syndrome. Also called: Neoplastic Syndromes, Hereditary; Tumor predisposition; Hereditary Cancer Syndrome; Hereditary neoplastic syndrome. Identifiers: Orphanet 140162, MedGen C0027672, MeSH D009386, MONDO:0015356.
Cardiovascular phenotype. Identifiers: MedGen CN230736.

Submission:

Ambry Genetics
Classification: Uncertain significance for Cardiovascular phenotype; Hereditary cancer-predisposing syndrome. Last evaluated: 2019-06-28. Review status: criteria provided, single submitter. Criteria: Ambry Variant Classification Scheme 2023. Collection method: clinical testing. Allele origin: germline.
Comment: The c.2492_2493delCAinsAATCT variant, located in coding exon 21 of the NF1 gene, results from an in-frame deletion of CA and insertion of AATCT at nucleotide positions 2492 to 2493. This results in the substitution of the threonine residue for lysine and serine residues at codon 831, amino acids with highly similar properties. In addition, this alteration is predicted to be inconclusive by in silico analysis. Since supporting evidence is limited at this time, the clinical significance of this alteration remains unclear.

NM_001042492.3(NF1):c.2492_2493delinsAATCT (p.Thr831delinsLysSer)

Gene: NF1 (neurofibromin 1; plus strand). Cytogenetic location: 17q11.2.
Variant type: Indel.
Coding change: c.2492_2493delinsAATCT on transcript NM_001042492.3 (MANE Select); coding-DNA positions 2492 to 2493, CA replaced by AATCT.
Protein change: p.Thr831delinsLysSer.
Molecular consequence: inframe indel.
Genome position (GRCh38, 1-based): chr17:31,229,107-31,229,108, CA replaced by AATCT. VCF-style: chr17-31229107-CA-AATCT. GRCh37 (hg19) VCF-style: chr17-29556125-CA-AATCT.
Other names: c.2492_2493delCAinsAATCT (NM_000267.3); c.2492_2493delCAinsAATCT, p.Thr831delinsLysSer (NM_000267.4).
Identifiers: ClinVar variation 821356 (VCV000821356.4), dbSNP rs1597715231, ClinGen allele CA915949783.